The following is an entry in ClinVar:

NM_001004334.4(GPR179):c.3421C>A (p.Gln1141Lys)

Gene: GPR179 (G protein-coupled receptor 179; minus strand). Cytogenetic location: 17q12.
Variant type: single nucleotide variant.
Coding change: c.3421C>A on transcript NM_001004334.4 (MANE Select); coding-DNA position 3421, C replaced by A.
Protein change: p.Gln1141Lys; replaces glutamine 1141 with lysine.
Molecular consequence: missense variant.
Genome position (GRCh38, 1-based): chr17:38,330,148, G>T on the plus strand (C>A on the coding strand, the complement: GPR179 is on the minus strand). VCF-style: chr17-38330148-G-T. GRCh37 (hg19) VCF-style: chr17-36486031-G-T.
Other names: c.3421C>A (NM_001004334.2); short protein forms Q1141K.
Identifiers: ClinVar variation 1364439 (VCV001364439.9), dbSNP rs773509711, ClinGen allele CA290105118.

ClinVar aggregate classification (germline): Uncertain significance. Review status: criteria provided, multiple submitters, no conflicts (2 of 4 stars). 2 submissions from 2 submitters: Uncertain significance (2). Last evaluated 2025-10-29.

Conditions:
Inborn genetic diseases. Identifiers: MedGen C0950123, MeSH D030342.

Allele frequency attached by ClinVar (database versions not stated): ExAC 0.00001; gnomAD exomes 0.00001 and 0.00002.

Submissions (2):

Ambry Genetics
Classification: Uncertain significance for Inborn genetic diseases. Last evaluated: 2025-10-29. Review status: criteria provided, single submitter. Criteria: Ambry Variant Classification Scheme 2023. Collection method: clinical testing. Allele origin: germline.

Labcorp Genetics (formerly Invitae), Labcorp
Classification: Uncertain significance. Last evaluated: 2021-01-13. Review status: criteria provided, single submitter. Criteria: Invitae Variant Classification Sherloc (09022015). Collection method: clinical testing. Allele origin: germline.
Comment: Algorithms developed to predict the effect of missense changes on protein structure and function are either unavailable or do not agree on the potential impact of this missense change (SIFT: "Deleterious"; PolyPhen-2: "Possibly Damaging"; Align-GVGD: "Class C0"). In summary, the available evidence is currently insufficient to determine the role of this variant in disease. Therefore, it has been classified as a Variant of Uncertain Significance. This variant has not been reported in the literature in individuals with GPR179-related conditions. The frequency data for this variant in the population databases is considered unreliable, as metrics indicate poor data quality at this position in the ExAC database. This sequence change replaces glutamine with lysine at codon 1141 of the GPR179 protein (p.Gln1141Lys). The glutamine residue is moderately conserved and there is a small physicochemical difference between glutamine and lysine.